The following is an entry in ClinVar:

ClinVar aggregate classification (germline): Pathogenic. Review status: reviewed by expert panel (3 of 4 stars). 4 submissions from 4 submitters: Pathogenic (1). 3 of the submissions do not count toward it. Last evaluated 2016-09-08.

Conditions:
Hereditary cancer-predisposing syndrome. Also called: Hereditary Cancer Syndrome; Neoplastic Syndromes, Hereditary; Hereditary neoplastic syndrome; Tumor predisposition. Identifiers: Orphanet 140162, MedGen C0027672, MeSH D009386, MONDO:0015356.
Hereditary breast ovarian cancer syndrome. Also called: Hereditary breast and ovarian cancer syndrome (HBOC); Breast and ovarian cancer; Hereditary breast and ovarian cancer syndrome; Hereditary breast and ovarian cancer; BRCA1- and BRCA2-Associated Hereditary Breast and Ovarian Cancer; Hereditary breast and/or ovarian cancer syndrome. Identifiers: Orphanet 145, MedGen C0677776, MeSH D061325, MONDO:0003582. Disease mechanism: loss of function.
Breast-ovarian cancer, familial, susceptibility to, 1 (BROVCA1). Also called: BRCA1 Hereditary Breast and Ovarian Cancer; OVARIAN CANCER, SUSCEPTIBILITY TO. Identifiers: Orphanet 145, MedGen C2676676, MONDO:0011450, OMIM 604370. Disease mechanism: loss of function.

Allele frequency attached by ClinVar (database versions not stated): gnomAD exomes below 0.00001; ExAC 0.00001.

Submissions (4):

Evidence-based Network for the Interpretation of Germline Mutant Alleles (ENIGMA)
Classification: Pathogenic for Breast-ovarian cancer, familial, susceptibility to, 1. Last evaluated: 2016-09-08. Review status: reviewed by expert panel. Criteria: ENIGMA BRCA1/2 Classification Criteria (2015). Collection method: curation. Allele origin: germline.
Comment: Variant allele predicted to encode a truncated non-functional protein.

Color Diagnostics, LLC DBA Color Health
Classification: Pathogenic for Hereditary cancer-predisposing syndrome. Last evaluated: 2024-03-18. Review status: criteria provided, single submitter. Criteria: ACMG Guidelines, 2015. Collection method: clinical testing. Allele origin: germline. Not counted in ClinVar's aggregate classification.
Comment: This variant inserts 1 nucleotide in exon 23 of the BRCA1 gene, creating a frameshift and extending the C-terminus of the variant protein by 16 amino acids compared to the reference protein. This variant alters the protein sequence starting at codon 1829 and disrupts the last 29 amino acids of the BRCT domain, that is important for phosphopeptide binding and DNA damage response (PMID: 25701377) and is therefore expected to result in a non-functional protein product. This variant has been reported in at least two individuals affected with ovarian cancer or early-onset breast cancer (PMID: 27767231, 28145423). This variant has been identified in 1/251056 chromosomes in the general population by the Genome Aggregation Database (gnomAD). Loss of BRCA1 function is a known mechanism of disease. Based on the available evidence, this variant is classified as Pathogenic.

Labcorp Genetics (formerly Invitae), Labcorp
Classification: Pathogenic for Hereditary breast ovarian cancer syndrome. Last evaluated: 2018-05-30. Review status: criteria provided, single submitter. Criteria: Invitae Variant Classification Sherloc (09022015). Collection method: clinical testing. Allele origin: germline. Not counted in ClinVar's aggregate classification.
Comment: For these reasons, this variant has been classified as Pathogenic. A different truncation (p.Gln1857Argfs*65) that lies downstream of this variant has been determined to be pathogenic (PMID: 21520333, 11573086, 14576433, 15133503, 25652403). This suggests that deletion of this region of the BRCA1 protein is causative of disease. This variant has been observed in an individual affected with ovarian cancer (PMID: 27767231). ClinVar contains an entry for this variant (Variation ID: 254471). This variant is present in population databases (rs768401297, ExAC 0.001%). This sequence change duplicates 1 nucleotide from exon 23 of the BRCA1 mRNA (c.5485dupG), causing a frameshift at codon 1829. This is expected to delete the last 35 amino acids of the BRCA1 protein and replace them with 15 additional amino acid residues, creating a new downstream translational stop signal in the last exon that extends the length of the protein (p.Glu1829Glyfs*51). While this is not anticipated to result in nonsense mediated decay, it may result in a disrupted BRCA1 protein.

Consortium of Investigators of Modifiers of BRCA1/2 (CIMBA), c/o University of Cambridge
Classification: Pathogenic for Breast-ovarian cancer, familial, susceptibility to, 1. Last evaluated: 2015-10-02. Review status: criteria provided, single submitter. Criteria: CIMBA Mutation Classification guidelines May 2016. Collection method: clinical testing. Allele origin: germline. Not counted in ClinVar's aggregate classification.

Literature cited by the submitters: PubMed 25701377 (cited by Color Diagnostics, LLC DBA Color Health); PubMed 27767231 (cited by Color Diagnostics, LLC DBA Color Health and Labcorp Genetics (formerly Invitae), Labcorp); PubMed 28145423 (cited by Color Diagnostics, LLC DBA Color Health); PubMed 21520333 (cited by Labcorp Genetics (formerly Invitae), Labcorp); PubMed 11573086 (cited by Labcorp Genetics (formerly Invitae), Labcorp); PubMed 14576433 (cited by Labcorp Genetics (formerly Invitae), Labcorp); PubMed 15133503 (cited by Labcorp Genetics (formerly Invitae), Labcorp); PubMed 25652403 (cited by Labcorp Genetics (formerly Invitae), Labcorp).

NM_007294.4(BRCA1):c.5485dup (p.Glu1829fs)

Gene: BRCA1 (BRCA1 DNA repair associated; minus strand). Cytogenetic location: 17q21.31.
Variant type: Duplication.
Coding change: c.5485dup on transcript NM_007294.4 (MANE Select); coding-DNA position 5485, one base duplicated (G; older notation c.5485dupG).
Protein change: p.Glu1829fs; shifts the reading frame from glutamic acid 1829.
Molecular consequence: frameshift variant. On other transcripts: stop lost (17), non-coding transcript variant (1).
Genome position (GRCh38, 1-based): chr17:43,045,785, C duplicated on the plus strand (G on the coding strand, the reverse complement: BRCA1 is on the minus strand). VCF-style (leftmost placement, unchanged base first): chr17-43045784-T-TC. GRCh37 (hg19) VCF-style: chr17-41197801-T-TC.
Other names: c.5485dupG (NM_007294.3); c.5272dup, p.Glu1758Glyfs (NM_001407571.1, NM_001407894.1, NM_001407895.1 and 12 more transcripts); c.5551dup, p.Glu1851Glyfs (NM_001407581.1, NM_001407582.1); c.5548dup, p.Glu1850Glyfs (NM_001407583.1, NM_001407585.1, NM_001407587.1); c.5545dup, p.Glu1849Glyfs (NM_001407590.1, NM_001407591.1); c.5485dup, p.Glu1829Glyfs (NM_001407593.1, NM_001407594.1, NM_001407596.1 and 5 more transcripts); c.5482dup, p.Glu1828Glyfs (NM_001407610.1, NM_001407611.1, NM_001407612.1 and 14 more transcripts); c.5479dup, p.Glu1827Glyfs (NM_001407627.1, NM_001407628.1, NM_001407629.1 and 13 more transcripts); and 87 more; short protein forms E1782fs, E725fs, E1850fs, E1829fs.
Identifiers: ClinVar variation 254471 (VCV000254471.14), dbSNP rs768401297, ClinGen allele CA8589943.
Genomic context (GRCh38, chr17:43,045,784, plus strand): 5'-TCCTGGCACTGGTAGAGTGCTACACTGTCCAACACCCACTCTCGGGTCACCACAGGTGCC[T>TC]CACACATCTGCCCAATTGCTGGAGACAGAGAACACAAGCAGAGATTAGTGTCAATTCATT-3'